The following is an entry in ClinVar:

ClinVar aggregate classification (germline): Uncertain significance. Review status: criteria provided, multiple submitters, no conflicts (2 of 4 stars). 2 submissions from 2 submitters: Uncertain significance (2). Last evaluated 2025-04-01.

Allele frequency attached by ClinVar (database versions not stated): TOPMed 0.00001; ExAC 0.00002.
gnomAD v4.1: 10 of 1,613,790 alleles (0.00062%); highest among the groups gnomAD compares: Admixed American, 0.0017%; no homozygotes.

Submissions (2):

Ambry Genetics
Classification: Uncertain significance. Last evaluated: 2025-04-01. Review status: criteria provided, single submitter. Criteria: Ambry Variant Classification Scheme 2023. Collection method: clinical testing. Allele origin: germline.

Labcorp Genetics (formerly Invitae), Labcorp
Classification: Uncertain significance. Last evaluated: 2022-12-01. Review status: criteria provided, single submitter. Criteria: Invitae Variant Classification Sherloc (09022015). Collection method: clinical testing. Allele origin: germline.
Comment: In summary, the available evidence is currently insufficient to determine the role of this variant in disease. Therefore, it has been classified as a Variant of Uncertain Significance. Advanced modeling of protein sequence and biophysical properties (such as structural, functional, and spatial information, amino acid conservation, physicochemical variation, residue mobility, and thermodynamic stability) performed at Invitae indicates that this missense variant is not expected to disrupt AK7 protein function. This variant has not been reported in the literature in individuals affected with AK7-related conditions. This variant is present in population databases (rs746219659, gnomAD 0.003%). This sequence change replaces methionine, which is neutral and non-polar, with valine, which is neutral and non-polar, at codon 224 of the AK7 protein (p.Met224Val).

NM_152327.5(AK7):c.670A>G (p.Met224Val)

Gene: AK7 (adenylate kinase 7; plus strand). Cytogenetic location: 14q32.2.
Variant type: single nucleotide variant.
Coding change: c.670A>G on transcript NM_152327.5 (MANE Select); coding-DNA position 670, A replaced by G.
Protein change: p.Met224Val; replaces methionine 224 with valine.
Molecular consequence: missense variant.
Genome position (GRCh38, 1-based): chr14:96,437,895, A>G. VCF-style: chr14-96437895-A-G. GRCh37 (hg19) VCF-style: chr14-96904232-A-G.
Other names: c.670A>G, p.Met224Val (NM_001350888.2, NM_001350890.2, NM_001350891.2 and 1 more transcripts); c.670A>G (NM_152327.2); short protein forms M224V.
Identifiers: ClinVar variation 2889376 (VCV002889376.2), dbSNP rs746219659, ClinGen allele CA7337566.